The following is an entry in ClinVar:

NM_000038.6(APC):c.8044G>C (p.Val2682Leu)

Gene: APC (APC regulator of Wnt signaling pathway; plus strand). Cytogenetic location: 5q22.2.
Variant type: single nucleotide variant.
Coding change: c.8044G>C on transcript NM_000038.6 (MANE Select); coding-DNA position 8044, G replaced by C.
Protein change: p.Val2682Leu; replaces valine 2682 with leucine.
Molecular consequence: missense variant.
Genome position (GRCh38, 1-based): chr5:112,843,638, G>C. VCF-style: chr5-112843638-G-C. GRCh37 (hg19) VCF-style: chr5-112179335-G-C.
Other names: c.8044G>C, p.Val2682Leu (NM_001127510.3, NM_001354895.2); c.7990G>C, p.Val2664Leu (NM_001127511.3); c.8098G>C, p.Val2700Leu (NM_001354896.2); c.8074G>C, p.Val2692Leu (NM_001354897.2); c.7969G>C, p.Val2657Leu (NM_001354898.2); c.7960G>C, p.Val2654Leu (NM_001354899.2); c.7921G>C, p.Val2641Leu (NM_001354900.2); c.7867G>C, p.Val2623Leu (NM_001354901.2); and 5 more; short protein forms V2664L, V2682L, V2581L, V2623L, V2641L, V2654L, V2700L, V2692L.
Identifiers: ClinVar variation 482372 (VCV000482372.5), dbSNP rs1554088862, ClinGen allele CA16038795.

ClinVar aggregate classification (germline): Uncertain significance (1 of 4 stars; one submission).

Conditions:
Hereditary cancer-predisposing syndrome. Also called: Neoplastic Syndromes, Hereditary; Tumor predisposition; Hereditary Cancer Syndrome; Hereditary neoplastic syndrome. Identifiers: Orphanet 140162, MedGen C0027672, MeSH D009386, MONDO:0015356.

Submission:

Ambry Genetics
Classification: Uncertain significance for Hereditary cancer-predisposing syndrome. Last evaluated: 2016-06-23. Review status: criteria provided, single submitter. Criteria: Ambry Variant Classification Scheme 2023. Collection method: clinical testing. Allele origin: germline.
Comment: The p.V2682L variant (also known as c.8044G>C), located in coding exon 15 of the APC gene, results from a G to C substitution at nucleotide position 8044. The valine at codon 2682 is replaced by leucine, an amino acid with highly similar properties. This variant was not reported in population based cohorts in the following databases: Database of Single Nucleotide Polymorphisms (dbSNP), NHLBI Exome Sequencing Project (ESP), and 1000 Genomes Project. In the ESP, this variant was not observed in 6502 samples (13004 alleles) with coverage at this position. To date, this alteration has been detected with an allele frequency of approximately 0.004% (greater than 90000 alleles tested) in our clinical cohort. This amino acid position is well conserved in available vertebrate species. In addition, in silico predictors for this gene do not accurately predict pathogenicity. Since supporting evidence is limited at this time, the clinical significance of this alteration remains unclear.